The following is an entry in ClinVar:

ClinVar aggregate classification (germline): Uncertain significance (1 of 4 stars; one submission).

Submission:

GeneDx
Classification: Uncertain significance. Last evaluated: 2025-08-13. Review status: criteria provided, single submitter. Criteria: GeneDx Variant Classification Process June 2021. Collection method: clinical testing. Allele origin: germline. Affected: yes.
Comment: Not observed at significant frequency in large population cohorts (gnomAD); In silico analysis supports that this missense variant has a deleterious effect on protein structure/function; Has not been previously published as pathogenic or benign to our knowledge

NM_003047.5(SLC9A1):c.1366G>T (p.Gly456Cys)

Genes: SLC9A1 (solute carrier family 9 member A1; minus strand), LOC126805673 (MED14-independent group 3 enhancer GRCh37_chr1:27431568-27432767; plus strand). Cytogenetic location: 1p36.11.
Variant type: single nucleotide variant.
Coding change: c.1366G>T on transcript NM_003047.5 (MANE Select); coding-DNA position 1366, G replaced by T.
Protein change: p.Gly456Cys; replaces glycine 456 with cysteine.
Molecular consequence: missense variant. On other transcripts: non-coding transcript variant (1).
Genome position (GRCh38, 1-based): chr1:27,106,004, C>A on the plus strand (G>T on the coding strand, the complement: SLC9A1 is on the minus strand). VCF-style: chr1-27106004-C-A. GRCh37 (hg19) VCF-style: chr1-27432495-C-A.
Other names: short protein forms G456C.
Identifiers: ClinVar variation 4795318 (VCV004795318.1).